The following is an entry in ClinVar:

ClinVar aggregate classification (germline): Uncertain significance (1 of 4 stars; one submission).

Conditions:
Hereditary cancer-predisposing syndrome. Also called: Tumor predisposition; Hereditary neoplastic syndrome; Neoplastic Syndromes, Hereditary; Hereditary Cancer Syndrome. Identifiers: Orphanet 140162, MedGen C0027672, MeSH D009386, MONDO:0015356.

Submission:

Ambry Genetics
Classification: Uncertain significance for Hereditary cancer-predisposing syndrome. Last evaluated: 2018-12-05. Review status: criteria provided, single submitter. Criteria: Ambry Variant Classification Scheme 2023. Collection method: clinical testing. Allele origin: germline.
Comment: The p.N3337Y variant (also known as c.10009A>T), located in coding exon 26 of the BRCA2 gene, results from an A to T substitution at nucleotide position 10009. The asparagine at codon 3337 is replaced by tyrosine, an amino acid with dissimilar properties. This amino acid position is poorly conserved in available vertebrate species. In addition, this alteration is predicted to be tolerated by in silico analysis. Since supporting evidence is limited at this time, the clinical significance of this alteration remains unclear.

NM_000059.4(BRCA2):c.10009A>T (p.Asn3337Tyr)

Gene: BRCA2 (BRCA2 DNA repair associated; plus strand). Cytogenetic location: 13q13.1.
Variant type: single nucleotide variant.
Coding change: c.10009A>T on transcript NM_000059.4 (MANE Select); coding-DNA position 10009, A replaced by T.
Protein change: p.Asn3337Tyr; replaces asparagine 3337 with tyrosine.
Molecular consequence: missense variant.
Genome position (GRCh38, 1-based): chr13:32,398,522, A>T. VCF-style: chr13-32398522-A-T. GRCh37 (hg19) VCF-style: chr13-32972659-A-T.
Other names: short protein forms N3337Y.
Identifiers: ClinVar variation 818242 (VCV000818242.4), dbSNP rs1555290018, ClinGen allele CA387767701.